The following is an entry in ClinVar:

NM_006915.3(RP2):c.100A>G (p.Lys34Glu)

Gene: RP2 (RP2 activator of ARL3 GTPase; plus strand). Cytogenetic location: Xp11.3.
Variant type: single nucleotide variant.
Coding change: c.100A>G on transcript NM_006915.3 (MANE Select); coding-DNA position 100, A replaced by G.
Protein change: p.Lys34Glu; replaces lysine 34 with glutamic acid.
Molecular consequence: missense variant.
Genome position (GRCh38, 1-based): chrX:46,837,200, A>G. VCF-style: chrX-46837200-A-G. GRCh37 (hg19) VCF-style: chrX-46696635-A-G.
Other names: c.100A>G (NM_006915.2); short protein forms K34E.
Identifiers: ClinVar variation 1043435 (VCV001043435.9), dbSNP rs782473693, ClinGen allele CA10394172.

ClinVar aggregate classification (germline): Uncertain significance. Review status: criteria provided, single submitter (1 of 4 stars). 2 submissions from 2 submitters: Uncertain significance (1). 1 of the submissions does not count toward it. Last evaluated 2025-11-26.

Conditions:
RP2-related disorder. Also called: RP2-related condition.

Allele frequency attached by ClinVar (database versions not stated): ExAC below 0.00001; gnomAD exomes below 0.00001 and 0.00001; TOPMed 0.00002.
gnomAD v4.1: 1 of 1,166,018 alleles (0.000086%); highest among the groups gnomAD compares: Admixed American, 0.0026%; no homozygotes.

Submissions (2):

Labcorp Genetics (formerly Invitae), Labcorp
Classification: Uncertain significance. Last evaluated: 2025-11-26. Review status: criteria provided, single submitter. Criteria: Invitae Variant Classification Sherloc (09022015). Collection method: clinical testing. Allele origin: germline.
Comment: This sequence change replaces lysine, which is basic and polar, with glutamic acid, which is acidic and polar, at codon 34 of the RP2 protein (p.Lys34Glu). This variant is present in population databases (rs782473693, gnomAD 0.005%). This variant has not been reported in the literature in individuals affected with RP2-related conditions. ClinVar contains an entry for this variant (Variation ID: 1043435). Invitae Evidence Modeling of protein sequence and biophysical properties (such as structural, functional, and spatial information, amino acid conservation, physicochemical variation, residue mobility, and thermodynamic stability) indicates that this missense variant is not expected to disrupt RP2 protein function with a negative predictive value of 95%. In summary, the available evidence is currently insufficient to determine the role of this variant in disease. Therefore, it has been classified as a Variant of Uncertain Significance.

PreventionGenetics, part of Exact Sciences
Classification: Uncertain significance for RP2-related condition. Last evaluated: 2024-09-15. Review status: no assertion criteria provided. Collection method: clinical testing. Allele origin: germline. Not counted in ClinVar's aggregate classification.
Comment: The RP2 c.100A>G variant is predicted to result in the amino acid substitution p.Lys34Glu. To our knowledge, this variant has not been reported in the literature. This variant is reported in 0.0051% of alleles in individuals of Latino descent in gnomAD. At this time, the clinical significance of this variant is uncertain due to the absence of conclusive functional and genetic evidence.